The following is an entry in ClinVar:

ClinVar aggregate classification (germline): Uncertain significance (1 of 4 stars; one submission).

Conditions:
RASopathy. Also called: Noonan spectrum disorder; rasopathies. Identifiers: Orphanet 536391, MedGen C5555857, MONDO:0021060.

Submission:

Labcorp Genetics (formerly Invitae), Labcorp
Classification: Uncertain significance for RASopathy. Last evaluated: 2025-02-07. Review status: criteria provided, single submitter. Criteria: Invitae Variant Classification Sherloc (09022015). Collection method: clinical testing. Allele origin: germline.
Comment: This sequence change results in a frameshift in the MAP2K1 gene (p.*394Leuext*112). While this is not anticipated to result in nonsense mediated decay, it is expected to extend the protein by an additional 112 amino acids. This variant is not present in population databases (gnomAD no frequency). This variant has not been reported in the literature in individuals affected with MAP2K1-related conditions. ClinVar contains an entry for this variant (Variation ID: 950974). Experimental studies and prediction algorithms are not available or were not evaluated, and the functional significance of this variant is currently unknown. In summary, the available evidence is currently insufficient to determine the role of this variant in disease. Therefore, it has been classified as a Variant of Uncertain Significance.

NM_002755.4(MAP2K1):c.1180dup (p.Ter394LeuextTer?)

Genes: MAP2K1 (mitogen-activated protein kinase kinase 1; plus strand), SNAPC5 (small nuclear RNA activating complex polypeptide 5; minus strand). Cytogenetic location: 15q22.31.
Variant type: Duplication.
Coding change: c.1180dup on transcript NM_002755.4 (MANE Select); coding-DNA position 1180, one base duplicated (T; older notation c.1180dupT).
Protein change: p.Ter394LeuextTer?.
Molecular consequence: frameshift variant, stop lost. On other transcripts: 3 prime UTR variant (1), non-coding transcript variant (1).
Genome position (GRCh38, 1-based): chr15:66,490,613, T duplicated. VCF-style (leftmost placement, unchanged base first): chr15-66490612-C-CT. GRCh37 (hg19) VCF-style: chr15-66782950-C-CT.
Other names: c.*126dup (NM_006049.4); c.1036dup, p.Ter346LeuextTer? (NM_001411065.1).
Identifiers: ClinVar variation 950974 (VCV000950974.9), dbSNP rs1893223775, ClinGen allele CA490862081.